The following is an entry in ClinVar:

NM_001267550.2(TTN):c.51257G>A (p.Arg17086His)

Genes: TTN (titin; minus strand), TTN-AS1 (TTN antisense RNA 1; plus strand). Cytogenetic location: 2q31.2.
Variant type: single nucleotide variant.
Coding change: c.51257G>A on transcript NM_001267550.2 (MANE Select); coding-DNA position 51257, G replaced by A.
Protein change: p.Arg17086His; replaces arginine 17086 with histidine.
Molecular consequence: missense variant.
Genome position (GRCh38, 1-based): chr2:178,610,269, C>T on the plus strand (G>A on the coding strand, the complement: TTN is on the minus strand). VCF-style: chr2-178610269-C-T. GRCh37 (hg19) VCF-style: chr2-179474996-C-T.
Other names: c.46334G>A, p.Arg15445His (NM_001256850.1); c.24062G>A, p.Arg8021His (NM_003319.4); c.43553G>A, p.Arg14518His (NM_133378.4); c.24437G>A, p.Arg8146His (NM_133432.3); c.24638G>A, p.Arg8213His (NM_133437.4); short protein forms R17086H, R15445H, R14518H, R8021H, R8146H, R8213H.
Identifiers: ClinVar variation 1790790 (VCV001790790.4), dbSNP rs72632860, ClinGen allele CA1994225.
Genomic context (GRCh38, chr2:178,610,269, plus strand): 5'-CATGACAGTTTGTTCTCACCAGACATGACTGGTATATATGTTCTCCTCCCAGCTTCTCTG[C>T]GCTCCAGGACATAATGAAGAATTGGGGTTCCACCATCAAATTCTGGAGGTTCCCAAGTTA-3'
Protein context (NP_001254479.2, residues 17076-17096): GTPILHYVLE[Arg17086His]REAGRRTYIP

ClinVar aggregate classification (germline): Conflicting classifications of pathogenicity. Review status: criteria provided, conflicting classifications (1 of 4 stars). 3 submissions from 3 submitters: Uncertain significance (2); Likely benign (1). Last evaluated 2025-11-28.

Conditions:
Cardiovascular phenotype. Identifiers: MedGen CN230736.
Cardiomyopathy (CMYO). Also called: Cardiomyopathies. Identifiers: Orphanet 167848, MedGen C0878544, MONDO:0004994, HP:0001638. Inheritance: Various modes of inheritance.

Allele frequency attached by ClinVar (database versions not stated): ExAC 0.00007; ESP Exome Variant Server 0.00017.
gnomAD v4.1: 68 of 1,612,820 alleles (0.0042%); highest among the groups gnomAD compares: East Asian, 0.018%; no homozygotes.

Submissions (3):

Women's Health and Genetics/Laboratory Corporation of America, LabCorp
Classification: Uncertain significance. Last evaluated: 2025-11-28. Review status: criteria provided, single submitter. Criteria: LabCorp Variant Classification Summary - May 2015. Collection method: clinical testing. Allele origin: germline.
Comment: Variant summary: TTN c.43553G>A (p.Arg14518His) results in a non-conservative amino acid change in the encoded protein sequence. Algorithms developed to predict the effect of missense changes on protein structure and function are either unavailable or do not agree on the potential impact of this missense change. The variant allele was found at a frequency of 5.2e-05 in 248356 control chromosomes. This frequency is not significantly higher than estimated for disease-causing variants in TTN, allowing no conclusion about variant significance. c.43553G>A has been observed in at least two individuals affected with Dilated Cardiomyopathy, both with other variants that could account for the phenotype (Begay_2015, Yeh_2019). These reports do not provide unequivocal conclusions about association of the variant with Dilated Cardiomyopathy or other TTN-related disorders. To our knowledge, no experimental evidence demonstrating an impact on protein function has been reported. The following publications have been ascertained in the context of this evaluation (PMID: 26567375, 31879508). ClinVar contains an entry for this variant (Variation ID: 1790790). Based on the evidence outlined above, the variant was classified as uncertain significance.

CHEO Genetics Diagnostic Laboratory, Children's Hospital of Eastern Ontario
Classification: Likely benign for Cardiomyopathy. Last evaluated: 2023-05-16. Review status: criteria provided, single submitter. Criteria: ACMG Guidelines, 2015. Collection method: clinical testing. Allele origin: germline.

Ambry Genetics
Classification: Uncertain significance for Cardiovascular phenotype. Last evaluated: 2020-01-31. Review status: criteria provided, single submitter. Criteria: Ambry Variant Classification Scheme 2023. Collection method: clinical testing. Allele origin: germline.
Comment: The p.R8021H variant (also known as c.24062G>A), located in coding exon 98 of the TTN gene, results from a G to A substitution at nucleotide position 24062. The arginine at codon 8021 is replaced by histidine, an amino acid with highly similar properties. This amino acid position is highly conserved in available vertebrate species. In addition, this alteration is predicted to be tolerated by in silico analysis. Since supporting evidence is limited at this time, the clinical significance of this alteration remains unclear.

Literature cited by the submitters: PubMed 26567375 (cited by Women's Health and Genetics/Laboratory Corporation of America, LabCorp); PubMed 31879508 (cited by Women's Health and Genetics/Laboratory Corporation of America, LabCorp).